The following is an entry in ClinVar:

NM_000133.4(F9):c.1235G>A (p.Gly412Glu)

Gene: F9 (coagulation factor IX; plus strand). Cytogenetic location: Xq27.1.
Variant type: single nucleotide variant.
Coding change: c.1235G>A on transcript NM_000133.4 (MANE Select); coding-DNA position 1235, G replaced by A.
Protein change: p.Gly412Glu; replaces glycine 412 with glutamic acid.
Molecular consequence: missense variant.
Genome position (GRCh38, 1-based): chrX:139,561,920, G>A. VCF-style: chrX-139561920-G-A. GRCh37 (hg19) VCF-style: chrX-138644079-G-A.
Other names: NM_001313913.2:c.1121G>A; c.1121G>A, p.Gly374Glu (NM_001313913.2); short protein forms G412E, G374E.
Identifiers: ClinVar variation 2775451 (VCV002775451.2), dbSNP rs1233706534, ClinGen allele CA414446709.
Genomic context (GRCh38, chrX:139,561,920, plus strand): 5'-ACAACATGTTCTGTGCTGGCTTCCATGAAGGAGGTAGAGATTCATGTCAAGGAGATAGTG[G>A]GGGACCCCATGTTACTGAAGTGGAAGGGACCAGTTTCTTAACTGGAATTATTAGCTGGGG-3'
Protein context (NP_000124.1, residues 402-422): GGRDSCQGDS[Gly412Glu]GPHVTEVEGT

ClinVar aggregate classification (germline): Pathogenic (3 of 4 stars; one submission).

Conditions:
Hereditary factor IX deficiency disease (HEMB). Also called: F9 DEFICIENCY; FACTOR IX DEFICIENCY; PLASMA THROMBOPLASTIN COMPONENT DEFICIENCY; Hemophilia B; Christmas Disease. Identifiers: Orphanet 98879, MedGen C0008533, MeSH D002836, MONDO:0010604, OMIM 306900.

Allele frequency attached by ClinVar (database versions not stated): TOPMed 0.00002.

Submission:

ClinGen Coagulation Factor Deficiency Variant Curation Expert Panel, Clingen
Classification: Pathogenic for Hereditary factor IX deficiency disease. Last evaluated: 2024-02-09. Review status: reviewed by expert panel. Criteria: ClinGen CoagFactor ACMG Specifications F9 V1.0.0. Collection method: curation. Allele origin: germline. Inheritance: X-linked inheritance.
Comment: The c.1235G>A (NM_000133.4) variant in F9 is a missense variant predicted to cause substitution of Glycine by Glutamate at amino acid 412 (p.Gly412Glu). This variant has been reported in at least 8 probands meeting the hemophilia B phenotype criteria specified by the Coagulation Factor Deficiency VCEP (PS4_VeryStrong; PMID: 10874302, 29296726, 1680287, 8055323, 12588353). At least one patient with this variant meets the VCEP specification for PP4 (PP4_Moderate, MLOF study). This variant is absent from gnomAD v2.1.1 and v3.1.1 (PM2_Supporting). The computational predictor REVEL gives a score of 0.981, which is above the threshold of 0.6, evidence that correlates with impact to F9 function (PP3). In summary, this variant meets the criteria to be classified as Pathogenic for X-linked recessive hemophilia B based on the ACMG/AMP criteria applied, as specified by the ClinGen Coagulation Factor Deficiency VCEP: PS4_VeryStrong, PP4_Moderate, PP3, PM2_Supporting. (ClinGen Coagulation Factor Deficiency Expert Panel Specifications to the ACMG/AMP Variant Interpretation Guidelines for F9 Version 1.0.0., Released 10/5/2023)